The following is an entry in ClinVar:

ClinVar aggregate classification (germline): Likely pathogenic (1 of 4 stars; one submission).

Conditions:
COL11A1-related disorder. Also called: COL11A1-related condition; COL11A1-related disorders.

Submission:

PreventionGenetics, part of Exact Sciences
Classification: Likely pathogenic for COL11A1-related condition. Last evaluated: 2025-10-11. Review status: criteria provided, single submitter. Criteria: ACMG Guidelines, 2015. Collection method: clinical testing. Allele origin: germline.
Comment: The COL11A1 c.1704delT variant is predicted to result in a frameshift and premature protein termination (p.Pro570Leufs*63). To our knowledge, this variant has not been reported in the literature or in a large population database (gnomAD), indicating this variant is rare. Frameshift variants in COL11A1 are expected to be pathogenic. This variant is interpreted as likely pathogenic.

NM_001854.4(COL11A1):c.1704del (p.Pro570fs)

Gene: COL11A1 (collagen type XI alpha 1 chain; minus strand). Cytogenetic location: 1p21.1.
Variant type: Deletion.
Coding change: c.1704del on transcript NM_001854.4 (MANE Select); coding-DNA position 1704, one base deleted (T; older notation c.1704delT).
Protein change: p.Pro570fs; shifts the reading frame from proline 570.
Molecular consequence: frameshift variant. On other transcripts: non-coding transcript variant (1).
Genome position (GRCh38, 1-based): chr1:103,006,295, A deleted on the plus strand (T on the coding strand, the reverse complement: COL11A1 is on the minus strand). VCF-style (leftmost placement, unchanged base first): chr1-103006294-GA-G. GRCh37 (hg19) VCF-style: chr1-103471850-GA-G.
Other names: c.1587del, p.Pro531fs (NM_001190709.2); c.1740del, p.Pro582fs (NM_080629.3); c.1356del, p.Pro454fs (NM_080630.4); short protein forms P454fs, P570fs, P531fs, P582fs.
Identifiers: ClinVar variation 4993423 (VCV004993423.1).